The following is an entry in ClinVar:

NM_001080467.3(MYO5B):c.5476C>T (p.Pro1826Ser)

Genes: MYO5B (myosin VB; minus strand), SNHG22 (small nucleolar RNA host gene 22; plus strand). Cytogenetic location: 18q21.1.
Variant type: single nucleotide variant.
Coding change: c.5476C>T on transcript NM_001080467.3 (MANE Select); coding-DNA position 5476, C replaced by T.
Protein change: p.Pro1826Ser; replaces proline 1826 with serine.
Molecular consequence: missense variant.
Genome position (GRCh38, 1-based): chr18:49,826,542, G>A on the plus strand (C>T on the coding strand, the complement: MYO5B is on the minus strand). VCF-style: chr18-49826542-G-A. GRCh37 (hg19) VCF-style: chr18-47352912-G-A.
Other names: short protein forms P1826S.
Identifiers: ClinVar variation 2113541 (VCV002113541.4), dbSNP rs2511227534, ClinGen allele CA402417639.

ClinVar aggregate classification (germline): Uncertain significance (1 of 4 stars; one submission).

Submission:

Labcorp Genetics (formerly Invitae), Labcorp
Classification: Uncertain significance. Last evaluated: 2022-03-18. Review status: criteria provided, single submitter. Criteria: Invitae Variant Classification Sherloc (09022015). Collection method: clinical testing. Allele origin: germline.
Comment: Algorithms developed to predict the effect of missense changes on protein structure and function are either unavailable or do not agree on the potential impact of this missense change (SIFT: "Deleterious"; PolyPhen-2: "Probably Damaging"; Align-GVGD: "Class C0"). This variant has not been reported in the literature in individuals affected with MYO5B-related conditions. This variant is not present in population databases (gnomAD no frequency). This sequence change replaces proline, which is neutral and non-polar, with serine, which is neutral and polar, at codon 1826 of the MYO5B protein (p.Pro1826Ser). In summary, the available evidence is currently insufficient to determine the role of this variant in disease. Therefore, it has been classified as a Variant of Uncertain Significance.